The following is an entry in ClinVar:

NM_001267550.2(TTN):c.90286_90292del (p.Gln30096fs)

Genes: TTN (titin; minus strand), TTN-AS1 (TTN antisense RNA 1; plus strand). Cytogenetic location: 2q31.2.
Variant type: Deletion.
Coding change: c.90286_90292del on transcript NM_001267550.2 (MANE Select); coding-DNA positions 90286 to 90292, 7 bases deleted (CAGTCAG; older notation c.90286_90292delCAGTCAG).
Protein change: p.Gln30096fs; shifts the reading frame from glutamine 30096.
Molecular consequence: frameshift variant.
Genome position (GRCh38, 1-based): chr2:178,552,608-178,552,614, CTGACTG deleted on the plus strand (CAGTCAG on the coding strand, the reverse complement: TTN is on the minus strand); deleting any 7 consecutive bases within chr2:178,552,608-178,552,616 gives the same sequence; the c. name uses the placement nearest the transcript's 3' end. VCF-style (leftmost placement, unchanged base first): chr2-178552607-ACTGACTG-A. GRCh37 (hg19) VCF-style: chr2-179417334-ACTGACTG-A.
Other names: c.85363_85369del, p.Gln28455fs (NM_001256850.1); c.63091_63097del, p.Gln21031fs (NM_003319.4); c.82582_82588del, p.Gln27528fs (NM_133378.4); c.63466_63472del, p.Gln21156fs (NM_133432.3); c.63667_63673del, p.Gln21223fs (NM_133437.4); c.63091_63097delCAGTCAG (NM_003319.4); short protein forms Q21031fs, Q28455fs, Q21156fs, Q27528fs, Q21223fs, Q30096fs.
Identifiers: ClinVar variation 1752760 (VCV001752760.2), dbSNP rs2469296980, ClinGen allele CA2580064596.

ClinVar aggregate classification (germline): Likely pathogenic (1 of 4 stars; one submission).

Conditions:
Cardiovascular phenotype. Identifiers: MedGen CN230736.

Submission:

Ambry Genetics
Classification: Likely pathogenic for Cardiovascular phenotype. Last evaluated: 2018-09-07. Review status: criteria provided, single submitter. Criteria: Ambry Variant Classification Scheme 2023. Collection method: clinical testing. Allele origin: germline.
Comment: The c.63091_63097delCAGTCAG variant, located in coding exon 162 of the TTN gene, results from a deletion of 7 nucleotides at nucleotide positions 63091 to 63097, causing a translational frameshift with a predicted alternate stop codon (p.Q21031Sfs*14). This exon is located in the A-band region of the N2-B isoform of the titin protein and is constitutively expressed in TTN transcripts (percent spliced in or PSI 100%). While truncating variants in TTN are present in 1-3% of the general population, truncating variants in the A-band are the most common cause of dilated cardiomyopathy (DCM) (Herman DS et al. N. Engl. J. Med. 2012 Feb;366:619-28; Roberts AM et al. Sci Transl Med. 2015 Jan;7:270ra6). TTN truncating variants encoded in constitutive exons (PSI >90%) have been found to be significantly associated with DCM regardless of their position in titin (Schafer S et al. Nat. Genet. 2017 Jan;49:46-53). This alteration is expected to result in loss of function by premature protein truncation or nonsense-mediated mRNA decay. As such, this alteration is classified as likely pathogenic.